The following is an entry in ClinVar:

NM_024301.5(FKRP):c.215A>G (p.Gln72Arg)

Gene: FKRP (fukutin related protein; plus strand). Cytogenetic location: 19q13.32.
Variant type: single nucleotide variant.
Coding change: c.215A>G on transcript NM_024301.5 (MANE Select); coding-DNA position 215, A replaced by G.
Protein change: p.Gln72Arg; replaces glutamine 72 with arginine.
Molecular consequence: missense variant.
Genome position (GRCh38, 1-based): chr19:46,755,665, A>G. VCF-style: chr19-46755665-A-G. GRCh37 (hg19) VCF-style: chr19-47258922-A-G.
Other names: c.215A>G, p.Gln72Arg (NM_001039885.3); short protein forms Q72R.
Identifiers: ClinVar variation 3278989 (VCV003278989.1).
Genomic context (GRCh38, chr19:46,755,665, plus strand): 5'-TGGTGCGGGAGTTCGAGGCATTTGACAACGCGGTGCCCGAGCTGGTAGACTCCTTCCTGC[A>G]GCAAGACCCAGCCCAGCCCGTGGTGGTGGCAGCCGACACGCTCCCCTACCCGCCCCTGGC-3'
Protein context (NP_077277.1, residues 62-82): AVPELVDSFL[Gln72Arg]QDPAQPVVVA

ClinVar aggregate classification (germline): Uncertain significance (1 of 4 stars; one submission).

Conditions:
Cardiovascular phenotype. Identifiers: MedGen CN230736.

Submission:

Ambry Genetics
Classification: Uncertain significance for Cardiovascular phenotype. Last evaluated: 2024-06-23. Review status: criteria provided, single submitter. Criteria: Ambry Variant Classification Scheme 2023. Collection method: clinical testing. Allele origin: germline.
Comment: The p.Q72R variant (also known as c.215A>G), located in coding exon 1 of the FKRP gene, results from an A to G substitution at nucleotide position 215. The glutamine at codon 72 is replaced by arginine, an amino acid with highly similar properties. This amino acid position is conserved. In addition, this alteration is predicted to be tolerated by in silico analysis. Based on the available evidence, the clinical significance of this variant remains unclear.